The following is an entry in ClinVar:

ClinVar aggregate classification (germline): Uncertain significance (1 of 4 stars; one submission).

Conditions:
Early-infantile DEE. Also called: Ohtahara syndrome; Early infantile epileptic encephalopathy; Early infantile epileptic encephalopathy with suppression bursts. Identifiers: Orphanet 1934, MedGen C0393706, MONDO:0800491.

Allele frequency attached by ClinVar (database versions not stated): TOPMed 0.00006; 1000 Genomes Project 30x 0.00016.

Submission:

Labcorp Genetics (formerly Invitae), Labcorp
Classification: Uncertain significance for Early-infantile DEE. Last evaluated: 2025-11-04. Review status: criteria provided, single submitter. Criteria: Invitae Variant Classification Sherloc (09022015). Collection method: clinical testing. Allele origin: germline.
Comment: This sequence change falls in intron 20 of the SCN1A gene. It does not directly change the encoded amino acid sequence of the SCN1A protein. However, this sequence change falls within a region encompassing a cryptic exon in the SCN1A gene, in which variants have been shown to alter splicing (PMID: 30526861, 34107977). This variant is present in population databases (rs182825244, gnomAD 0.01%). This variant has not been reported in the literature in individuals affected with SCN1A-related conditions. ClinVar contains an entry for this variant (Variation ID: 1663622). Algorithms developed to predict the effect of sequence changes on RNA splicing suggest that this variant is not likely to affect RNA splicing. In summary, the available evidence is currently insufficient to determine the role of this variant in disease. Therefore, it has been classified as a Variant of Uncertain Significance.

Literature cited by the submitters: PubMed 30526861; PubMed 34107977.

NM_001165963.4(SCN1A):c.4002+2098T>C

Genes: SCN1A (sodium voltage-gated channel alpha subunit 1; minus strand), LOC102724058 (uncharacterized LOC102724058; plus strand). Cytogenetic location: 2q24.3.
Variant type: single nucleotide variant.
Coding change: c.4002+2098T>C on transcript NM_001165963.4 (MANE Select); 2098 bases into the intron after coding-DNA position 4002, T replaced by C.
Molecular consequence: intron variant.
Genome position (GRCh38, 1-based): chr2:166,007,621, A>G on the plus strand (T>C on the coding strand, the complement: SCN1A is on the minus strand). VCF-style: chr2-166007621-A-G. GRCh37 (hg19) VCF-style: chr2-166864131-A-G.
Other names: c.3969+2098T>C (NM_001353949.2, NM_001353950.2, NM_001353951.2 and 2 more transcripts); c.3918+2098T>C (NM_001353958.2, NM_001353957.2, NM_001165964.3); c.4002+2098T>C (NM_001202435.3, NM_001353948.2); c.3966+2098T>C (NM_001353955.2, NM_001353954.2); c.3915+2098T>C (NM_001353960.2); c.1560+2098T>C (NM_001353961.2).
Identifiers: ClinVar variation 1663622 (VCV001663622.9), dbSNP rs182825244, ClinGen allele CA59771701.
Genomic context (GRCh38, chr2:166,007,621, plus strand): 5'-GAAATACAATAAATGTTTAAAAGCTGTCAGCCAGAAATGTGCATAAAACATGCAAAACAC[A>G]AAGTGCAACGTGATGATAATTTATTTGTTACTTTCTAACTTCTTATCAAGCACTGTACAA-3'